The following is an entry in ClinVar:

NM_003924.4(PHOX2B):c.716G>T (p.Gly239Val)

Gene: PHOX2B (paired like homeobox 2B; minus strand). Cytogenetic location: 4p13.
Variant type: single nucleotide variant.
Coding change: c.716G>T on transcript NM_003924.4 (MANE Select); coding-DNA position 716, G replaced by T.
Protein change: p.Gly239Val; replaces glycine 239 with valine.
Molecular consequence: missense variant.
Genome position (GRCh38, 1-based): chr4:41,746,036, C>A on the plus strand (G>T on the coding strand, the complement: PHOX2B is on the minus strand). VCF-style: chr4-41746036-C-A. GRCh37 (hg19) VCF-style: chr4-41748053-C-A.
Other names: c.716G>T (NM_003924.3); short protein forms G239V.
Identifiers: ClinVar variation 1485749 (VCV001485749.9), dbSNP rs1577559052, ClinGen allele CA356737286.
Genomic context (GRCh38, chr4:41,746,036, plus strand): 5'-GCCGCCGCTGCCGCTGCCGCCGCCGCCGCTGCCGCGGCCGCCGCCGCTGCTGCTGCGCCG[C>A]CCTTGCCGGGTTCGCCTCCCGGGCCCCCGGGCCCCGCCGCCCCCGGAGCTCCAGCCGGGC-3'
Protein context (NP_003915.2, residues 229-249): PGGPGGEPGK[Gly239Val]GAAAAAAAAA

ClinVar aggregate classification (germline): Uncertain significance. Review status: criteria provided, multiple submitters, no conflicts (2 of 4 stars). 2 submissions from 2 submitters: Uncertain significance (2). Last evaluated 2026-07-06.

Conditions:
Hereditary cancer-predisposing syndrome. Also called: Hereditary Cancer Syndrome; Tumor predisposition; Neoplastic Syndromes, Hereditary; Hereditary neoplastic syndrome. Identifiers: Orphanet 140162, MedGen C0027672, MeSH D009386, MONDO:0015356.
Haddad syndrome (OHD). Also called: Ondine-Hirschsprung disease. Identifiers: Orphanet 99803, MedGen C1859049, MONDO:0020493.

Submissions (2):

Ambry Genetics
Classification: Uncertain significance for Hereditary cancer-predisposing syndrome. Last evaluated: 2026-07-06. Review status: criteria provided, single submitter. Criteria: Ambry Variant Classification Scheme 2023. Collection method: clinical testing. Allele origin: germline.
Comment: The p.G239V variant (also known as c.716G>T), located in coding exon 3 of the PHOX2B gene, results from a G to T substitution at nucleotide position 716. The glycine at codon 239 is replaced by valine, an amino acid with dissimilar properties. This amino acid position is conserved. In addition, this alteration is predicted to be tolerated by in silico analysis. Based on the available evidence, the clinical significance of this variant remains unclear.

Labcorp Genetics (formerly Invitae), Labcorp
Classification: Uncertain significance for Haddad syndrome. Last evaluated: 2021-02-15. Review status: criteria provided, single submitter. Criteria: Invitae Variant Classification Sherloc (09022015). Collection method: clinical testing. Allele origin: germline.
Comment: Algorithms developed to predict the effect of sequence changes on RNA splicing suggest that this variant may create or strengthen a splice site, but this prediction has not been confirmed by published transcriptional studies. In summary, the available evidence is currently insufficient to determine the role of this variant in disease. Therefore, it has been classified as a Variant of Uncertain Significance. This sequence change replaces glycine with valine at codon 239 of the PHOX2B protein (p.Gly239Val). The glycine residue is moderately conserved and there is a moderate physicochemical difference between glycine and valine. The frequency data for this variant in the population databases is considered unreliable, as metrics indicate insufficient coverage at this position in the ExAC database. This variant has not been reported in the literature in individuals with PHOX2B-related conditions. Algorithms developed to predict the effect of missense changes on protein structure and function are either unavailable or do not agree on the potential impact of this missense change (SIFT: "Deleterious"; PolyPhen-2: "Not Available"; Align-GVGD: "Class C0").